The following is an entry in ClinVar:

ClinVar aggregate classification (germline): Conflicting classifications of pathogenicity. Review status: criteria provided, conflicting classifications (1 of 4 stars). 3 submissions from 3 submitters: Likely pathogenic (2); Uncertain significance (1). Last evaluated 2026-03-10.

Conditions:
Marshall syndrome (MRSHS). Identifiers: Orphanet 560, MedGen C0265235, MONDO:0007949, OMIM 154780.
Stickler syndrome type 2 (STL2). Also called: COL11A1-Related Stickler Syndrome; STICKLER SYNDROME, BEADED VITREOUS TYPE; STICKLER SYNDROME, VITREOUS TYPE 2; STICKLER SYNDROME, TYPE II. Identifiers: Orphanet 828, Orphanet 90654, MedGen C1858084, MONDO:0011493, OMIM 604841.
Hearing loss, autosomal dominant 37. Also called: DEAFNESS, AUTOSOMAL DOMINANT 37. Identifiers: MedGen C4760307, MONDO:0032802, OMIM 618533.

Allele frequency attached by ClinVar (database versions not stated): TOPMed below 0.00001.

Submissions (3):

GeneDx
Classification: Likely pathogenic. Last evaluated: 2026-03-10. Review status: criteria provided, single submitter. Criteria: GeneDx Variant Classification Process June 2021. Collection method: clinical testing. Allele origin: germline.
Comment: Reported in mother and daughter with ocular features consistent with Stickler syndrome (PMID: 39981533); Canonical splice site variant predicted to result in an in-frame loss of the adjacent exon in a gene for which loss of function is a known mechanism of disease; Damages or destroys the splice acceptor site in intron 10, and is expected to cause abnormal gene splicing; if the splice outcome is exon skip, the loss of the encoded residues in the triple helical region is expected to disrupt normal protein folding and function (HGMD; PMID: 25240749); Not observed at significant frequency in large population cohorts (gnomAD); This variant is associated with the following publications: (PMID: 39981533, 25240749)

Labcorp Genetics (formerly Invitae), Labcorp
Classification: Likely pathogenic. Last evaluated: 2025-05-05. Review status: criteria provided, single submitter. Criteria: Invitae Variant Classification Sherloc (09022015). Collection method: clinical testing. Allele origin: germline.
Comment: This sequence change affects an acceptor splice site in intron 10 of the COL11A1 gene. It is expected to disrupt RNA splicing. Variants that disrupt the donor or acceptor splice site typically lead to a loss of protein function (PMID: 16199547), and loss-of-function variants in COL11A1 are known to be pathogenic (PMID: 20513134, 21035103, 23922384, 25240749, 32427345, 32756486). This variant is not present in population databases (gnomAD no frequency). This variant has not been reported in the literature in individuals affected with COL11A1-related conditions. ClinVar contains an entry for this variant (Variation ID: 1679801). Algorithms developed to predict the effect of sequence changes on RNA splicing suggest that this variant may disrupt the consensus splice site. In summary, the currently available evidence indicates that the variant is pathogenic, but additional data are needed to prove that conclusively. Therefore, this variant has been classified as Likely Pathogenic.

New York Genome Center
Classification: Uncertain significance for Hearing loss, autosomal dominant 37; Marshall syndrome; Stickler syndrome type 2. Last evaluated: 2021-05-07. Review status: criteria provided, single submitter. Criteria: NYGC Assertion Criteria 2020. Collection method: clinical testing. Allele origin: inherited. Observed: 1 heterozygote. Study: CSER-NYCKidSeq.
Comment: The inherited c.1351-1G>A variant identified in the COL11A1 gene substitutes a Thymine for Cytosine at the -1 canonical splice position within intron 10/66. This variant is absent from gnomAD(v3.1.1) suggesting it is not a common benign variant in the populations represented in that database. This variant is absent from ClinVar and to our current knowledge has not been reported in affected individuals in the literature. The inherited c.1351-1G>A variant identified in the COL11A1 gene is reported as Variant of Uncertain Significance.

Literature cited by the submitters: PubMed 16199547 (cited by Labcorp Genetics (formerly Invitae), Labcorp); PubMed 20513134 (cited by Labcorp Genetics (formerly Invitae), Labcorp); PubMed 21035103 (cited by Labcorp Genetics (formerly Invitae), Labcorp); PubMed 23922384 (cited by Labcorp Genetics (formerly Invitae), Labcorp); PubMed 25240749 (cited by Labcorp Genetics (formerly Invitae), Labcorp); PubMed 32427345 (cited by Labcorp Genetics (formerly Invitae), Labcorp); PubMed 32756486 (cited by Labcorp Genetics (formerly Invitae), Labcorp).

NM_001854.4(COL11A1):c.1351-1G>A

Gene: COL11A1 (collagen type XI alpha 1 chain; minus strand). Cytogenetic location: 1p21.1.
Variant type: single nucleotide variant.
Coding change: c.1351-1G>A on transcript NM_001854.4 (MANE Select); the canonical splice acceptor site of the intron before coding-DNA position 1351, G replaced by A.
Molecular consequence: splice acceptor variant.
Genome position (GRCh38, 1-based): chr1:103,017,883, C>T on the plus strand (G>A on the coding strand, the complement: COL11A1 is on the minus strand). VCF-style: chr1-103017883-C-T. GRCh37 (hg19) VCF-style: chr1-103483439-C-T.
Other names: c.1234-1G>A (NM_001190709.2); c.1387-1G>A (NM_080629.3); c.1003-1G>A (NM_080630.4).
Identifiers: ClinVar variation 1679801 (VCV001679801.4), dbSNP rs1666692498, ClinGen allele CA341179738.